The following is an entry in ClinVar:

ClinVar aggregate classification (germline): Uncertain significance (1 of 4 stars; one submission).

Conditions:
Hereditary spastic paraplegia 11. Also called: SPASTIC PARAPLEGIA, AUTOSOMAL RECESSIVE, COMPLICATED, WITH THIN CORPUS CALLOSUM; SPASTIC PARAPLEGIA, AUTOSOMAL RECESSIVE, WITH MENTAL IMPAIRMENT AND THIN CORPUS CALLOSUM; Spastic paraplegia, mental retardation and thin corpus callosum; Spastic Paraplegia 11; Nakamura Osame syndrome; Autosomal recessive hereditary spastic paraplegia, mental impairment, and thin corpus callosum. Identifiers: Orphanet 2822, MedGen C1858479, MONDO:0011445, OMIM 604360.

Submission:

Labcorp Genetics (formerly Invitae), Labcorp
Classification: Uncertain significance for Hereditary spastic paraplegia 11. Last evaluated: 2023-07-12. Review status: criteria provided, single submitter. Criteria: Invitae Variant Classification Sherloc (09022015). Collection method: clinical testing. Allele origin: germline.
Comment: This variant is not present in population databases (gnomAD no frequency). This sequence change replaces histidine, which is basic and polar, with arginine, which is basic and polar, at codon 235 of the SPG11 protein (p.His235Arg). Advanced modeling of protein sequence and biophysical properties (such as structural, functional, and spatial information, amino acid conservation, physicochemical variation, residue mobility, and thermodynamic stability) performed at Invitae indicates that this missense variant is not expected to disrupt SPG11 protein function. This variant has not been reported in the literature in individuals affected with SPG11-related conditions. In summary, the available evidence is currently insufficient to determine the role of this variant in disease. Therefore, it has been classified as a Variant of Uncertain Significance.

NM_025137.4(SPG11):c.704A>G (p.His235Arg)

Gene: SPG11 (SPG11 vesicle trafficking associated, spatacsin; minus strand). Cytogenetic location: 15q21.1.
Variant type: single nucleotide variant.
Coding change: c.704A>G on transcript NM_025137.4 (MANE Select); coding-DNA position 704, A replaced by G.
Protein change: p.His235Arg; replaces histidine 235 with arginine.
Molecular consequence: missense variant.
Genome position (GRCh38, 1-based): chr15:44,657,260, T>C on the plus strand (A>G on the coding strand, the complement: SPG11 is on the minus strand). VCF-style: chr15-44657260-T-C. GRCh37 (hg19) VCF-style: chr15-44949458-T-C.
Other names: c.704A>G, p.His235Arg (NM_001160227.2, NM_001411132.1); short protein forms H235R.
Identifiers: ClinVar variation 2826790 (VCV002826790.3), dbSNP rs2505759473, ClinGen allele CA392237473.